The following is an entry in ClinVar:

ClinVar aggregate classification (germline): Uncertain significance (1 of 4 stars; one submission).

Conditions:
Malignant hyperthermia, susceptibility to, 5 (MHS5). Also called: CACNA1S-Related Malignant Hyperthermia Susceptibility. Identifiers: Orphanet 423, MedGen C1866077, MONDO:0011163, OMIM 601887.

gnomAD v4.1: 2 of 1,614,190 alleles (0.00012%); highest among the groups gnomAD compares: Admixed American, 0.0033%; no homozygotes.

Submission:

All of Us Research Program, National Institutes of Health
Classification: Uncertain significance for Malignant hyperthermia, susceptibility to, 5. Last evaluated: 2023-06-08. Review status: criteria provided, single submitter. Criteria: ACMG Guidelines, 2015. Collection method: clinical testing. Allele origin: germline. Inheritance: Autosomal dominant inheritance. Observed: 1 variant allele, 1 heterozygote.
Comment: This missense variant replaces arginine with serine at codon 1658 of the CACNA1S protein. Computational prediction suggests that this variant may not impact protein structure and function (internally defined REVEL score threshold <= 0.5, PMID: 27666373). To our knowledge, functional studies have not been reported for this variant. This variant has not been reported in individuals affected with CACNA1S-related disorders in the literature. This variant has been identified in 1/251464 chromosomes in the general population by the Genome Aggregation Database (gnomAD). The available evidence is insufficient to determine the role of this variant in disease conclusively. Therefore, this variant is classified as a Variant of Uncertain Significance.

This study involves interpretation of variants in research participants for the purpose of population health screening. Participant phenotype was not available at the time of variant classification. Additional details can be found in publication PMID: 35346344, PMCID: PMC8962531

NM_000069.3(CACNA1S):c.4972C>A (p.Arg1658Ser)

Gene: CACNA1S (calcium voltage-gated channel subunit alpha1 S; minus strand). Cytogenetic location: 1q32.1.
Variant type: single nucleotide variant.
Coding change: c.4972C>A on transcript NM_000069.3 (MANE Select); coding-DNA position 4972, C replaced by A.
Protein change: p.Arg1658Ser; replaces arginine 1658 with serine.
Molecular consequence: missense variant.
Genome position (GRCh38, 1-based): chr1:201,043,357, G>T on the plus strand (C>A on the coding strand, the complement: CACNA1S is on the minus strand). VCF-style: chr1-201043357-G-T. GRCh37 (hg19) VCF-style: chr1-201012485-G-T.
Other names: short protein forms R1658S.
Identifiers: ClinVar variation 3071615 (VCV003071615.1), dbSNP rs147392278, ClinGen allele CA344136267.
Genomic context (GRCh38, chr1:201,043,357, plus strand): 5'-TGTTGCTATGGTTGCTGTTGCCATAGGCGACATTGGCGTTGGCATTGTTGGTATTGGCAC[G>T]AGCCAGGGGGTTGGTGCGTGGATCTTGTGGGAAGTCCTCCAAGAAGACAGGTGACTCCAT-3'
Protein context (NP_000060.2, residues 1648-1668): PQDPRTNPLA[Arg1658Ser]ANTNNANANV